The following is an entry in ClinVar:

NM_001136191.3(KANK2):c.559C>T (p.His187Tyr)

Gene: KANK2 (KN motif and ankyrin repeat domains 2; minus strand). Cytogenetic location: 19p13.2.
Variant type: single nucleotide variant.
Coding change: c.559C>T on transcript NM_001136191.3 (MANE Select); coding-DNA position 559, C replaced by T.
Protein change: p.His187Tyr; replaces histidine 187 with tyrosine.
Molecular consequence: missense variant.
Genome position (GRCh38, 1-based): chr19:11,193,521, G>A on the plus strand (C>T on the coding strand, the complement: KANK2 is on the minus strand). VCF-style: chr19-11193521-G-A. GRCh37 (hg19) VCF-style: chr19-11304197-G-A.
Other names: c.559C>T, p.His187Tyr (NM_001329451.2, NM_001379548.1, NM_001379549.1 and 15 more transcripts); short protein forms H187Y.
Identifiers: ClinVar variation 2872104 (VCV002872104.3), dbSNP rs1418591188, ClinGen allele CA404089325.

ClinVar aggregate classification (germline): Uncertain significance (1 of 4 stars; one submission).

Allele frequency attached by ClinVar (database versions not stated): gnomAD exomes below 0.00001; TOPMed below 0.00001.

Submission:

Labcorp Genetics (formerly Invitae), Labcorp
Classification: Uncertain significance. Last evaluated: 2023-06-27. Review status: criteria provided, single submitter. Criteria: Invitae Variant Classification Sherloc (09022015). Collection method: clinical testing. Allele origin: germline.
Comment: This sequence change replaces histidine, which is basic and polar, with tyrosine, which is neutral and polar, at codon 187 of the KANK2 protein (p.His187Tyr). This variant is present in population databases (no rsID available, gnomAD 0.009%). This variant has not been reported in the literature in individuals affected with KANK2-related conditions. An algorithm developed to predict the effect of missense changes on protein structure and function (PolyPhen-2) suggests that this variant is likely to be disruptive. In summary, the available evidence is currently insufficient to determine the role of this variant in disease. Therefore, it has been classified as a Variant of Uncertain Significance.